The following is an entry in ClinVar:

ClinVar aggregate classification (germline): Uncertain significance (1 of 4 stars; one submission).

Conditions:
Joubert syndrome. Also called: JOUBERT-BOLTSHAUSER SYNDROME; Familial aplasia of the vermis. Identifiers: Orphanet 475, MedGen C5979921, MONDO:0018772.
Meckel-Gruber syndrome. Also called: Dysencephalia splachnocystica; DYSENCEPHALIA SPLANCHNOCYSTICA; GRUBER SYNDROME. Identifiers: Orphanet 564, MedGen C0265215, MONDO:0018921.

Submission:

Labcorp Genetics (formerly Invitae), Labcorp
Classification: Uncertain significance for Joubert syndrome; Meckel-Gruber syndrome. Last evaluated: 2020-05-05. Review status: criteria provided, single submitter. Criteria: Invitae Variant Classification Sherloc (09022015). Collection method: clinical testing. Allele origin: germline.
Comment: This variant disrupts the p.Asp1556 amino acid residue in CC2D2A. Other variant(s) that disrupt this residue have been determined to be pathogenic (PMID: 22241855, 26092869, 26477546, Invitae). This suggests that this residue is clinically significant, and that variants that disrupt this residue are likely to be disease-causing. In summary, the available evidence is currently insufficient to determine the role of this variant in disease. Therefore, it has been classified as a Variant of Uncertain Significance. Algorithms developed to predict the effect of missense changes on protein structure and function are either unavailable or do not agree on the potential impact of this missense change (SIFT: "Tolerated"; PolyPhen-2: "Possibly Damaging"; Align-GVGD: "Class C0"). This variant has not been reported in the literature in individuals with CC2D2A-related conditions. This variant is not present in population databases (ExAC no frequency). This sequence change replaces aspartic acid with histidine at codon 1556 of the CC2D2A protein (p.Asp1556His). The aspartic acid residue is moderately conserved and there is a moderate physicochemical difference between aspartic acid and histidine.

Literature cited by the submitters: PubMed 22241855; PubMed 26092869; PubMed 26477546.

NM_001378615.1(CC2D2A):c.4666G>C (p.Asp1556His)

Genes: CC2D2A (coiled-coil and C2 domain containing 2A; plus strand), FBXL5 (F-box and leucine rich repeat protein 5; minus strand). Cytogenetic location: 4p15.32.
Variant type: single nucleotide variant.
Coding change: c.4666G>C on transcript NM_001378615.1 (MANE Select); coding-DNA position 4666, G replaced by C.
Protein change: p.Asp1556His; replaces aspartic acid 1556 with histidine.
Molecular consequence: missense variant.
Genome position (GRCh38, 1-based): chr4:15,599,698, G>C. VCF-style: chr4-15599698-G-C. GRCh37 (hg19) VCF-style: chr4-15601321-G-C.
Other names: c.4666G>C, p.Asp1556His (NM_001080522.2); c.4519G>C, p.Asp1507His (NM_001378617.1); short protein forms D1507H, D1556H.
Identifiers: ClinVar variation 1034997 (VCV001034997.8), dbSNP rs1721493626, ClinGen allele CA356434703.
Genomic context (GRCh38, chr4:15,599,698, plus strand): 5'-AAAAGTCAAGGAGAAGATGTAGAAGATGACCACAGAGCAGAACTGCTAAAACAGCTGGGA[G>C]ACTACAGGGTAAGTTACAAATGGATCCTAAACTGACTGTGGATTTCCTTGTTTCAAATTG-3'
Protein context (NP_001365544.1, residues 1546-1566): HRAELLKQLG[Asp1556His]YRFSGFPLHM